The following is an entry in ClinVar:

ClinVar aggregate classification (germline): Uncertain significance (1 of 4 stars; one submission).

Submission:

GeneDx
Classification: Uncertain significance. Last evaluated: 2024-04-28. Review status: criteria provided, single submitter. Criteria: GeneDx Variant Classification Process June 2021. Collection method: clinical testing. Allele origin: germline. Affected: yes.
Comment: Not observed at significant frequency in large population cohorts (gnomAD); In silico analysis indicates that this missense variant does not alter protein structure/function; Has not been previously published as pathogenic or benign to our knowledge

NM_001326342.2(CELF2):c.844A>G (p.Met282Val)

Gene: CELF2 (CUGBP Elav-like family member 2; plus strand). Cytogenetic location: 10p14.
Variant type: single nucleotide variant.
Coding change: c.844A>G on transcript NM_001326342.2 (MANE Select); coding-DNA position 844, A replaced by G.
Protein change: p.Met282Val; replaces methionine 282 with valine.
Molecular consequence: missense variant.
Genome position (GRCh38, 1-based): chr10:11,288,420, A>G. VCF-style: chr10-11288420-A-G. GRCh37 (hg19) VCF-style: chr10-11330383-A-G.
Other names: c.751A>G, p.Met251Val (NM_001025076.2, NM_001083591.1, NM_001326317.2 and 15 more transcripts); c.823A>G, p.Met275Val (NM_001025077.3, NM_001326331.2, NM_001326332.2 and 4 more transcripts); c.916A>G, p.Met306Val (NM_001326325.2); c.859A>G, p.Met287Val (NM_001326326.2, NM_001326327.2); c.139A>G, p.Met47Val (NM_001326333.2, NM_001326346.2); c.490A>G, p.Met164Val (NM_001326338.2, NM_001326339.2); c.844A>G, p.Met282Val (NM_001326340.2, NM_001326341.2, NM_001326343.2 and 4 more transcripts); c.775A>G, p.Met259Val (NM_001326347.1); short protein forms M164V, M251V, M259V, M275V, M282V, M287V, M306V, M47V.
Identifiers: ClinVar variation 3373162 (VCV003373162.1).